The following is an entry in ClinVar:

ClinVar aggregate classification (germline): Uncertain significance (1 of 4 stars; one submission).

gnomAD v4.1: 1 of 1,607,060 alleles (0.000062%); highest among the groups gnomAD compares: African/African-American, 0.0013%; no homozygotes.

Submission:

GeneDx
Classification: Uncertain significance. Last evaluated: 2024-11-03. Review status: criteria provided, single submitter. Criteria: GeneDx Variant Classification Process June 2021. Collection method: clinical testing. Allele origin: germline. Affected: yes.
Comment: Not observed at significant frequency in large population cohorts (gnomAD); In silico analysis indicates that this missense variant does not alter protein structure/function; Has not been previously published as pathogenic or benign to our knowledge

NM_001395002.1(MAP4K4):c.1011A>T (p.Glu337Asp)

Gene: MAP4K4 (mitogen-activated protein kinase kinase kinase kinase 4; plus strand). Cytogenetic location: 2q11.2.
Variant type: single nucleotide variant.
Coding change: c.1011A>T on transcript NM_001395002.1 (MANE Select); coding-DNA position 1011, A replaced by T.
Protein change: p.Glu337Asp; replaces glutamic acid 337 with aspartic acid.
Molecular consequence: missense variant. On other transcripts: non-coding transcript variant (4).
Genome position (GRCh38, 1-based): chr2:101,842,670, A>T. VCF-style: chr2-101842670-A-T. GRCh37 (hg19) VCF-style: chr2-102459132-A-T.
Other names: c.1011A>T, p.Glu337Asp (NM_001242559.2, NM_001242560.2, NM_001384476.1 and 28 more transcripts); c.984A>T, p.Glu328Asp (NM_001384549.1, NM_001384550.1, NM_001384551.1 and 16 more transcripts); short protein forms E328D, E337D.
Identifiers: ClinVar variation 3897096 (VCV003897096.1).